The following is an entry in ClinVar:

ClinVar aggregate classification (germline): Benign/Likely benign. Review status: criteria provided, multiple submitters, no conflicts (2 of 4 stars). 8 submissions from 5 submitters: Benign (1); Likely benign (6). 1 of the submissions does not count toward it. Last evaluated 2025-10-11.

Conditions:
CACNA1S-related disorder. Also called: CACNA1S-related condition.
Congenital myopathy 18. Also called: DIHYDROPYRIDINE RECEPTOR CONGENITAL MYOPATHY; DHPR CONGENITAL MYOPATHY; Myopathy, congenital, due to dihydropyridine receptor defect. Identifiers: MedGen C5830283, MONDO:0859514, OMIM 620246.
Thyrotoxic periodic paralysis, susceptibility to, 1 (TTPP1). Identifiers: Orphanet 79102, MedGen C2749982, MONDO:0008570, OMIM 188580.
Malignant hyperthermia, susceptibility to, 5 (MHS5). Also called: CACNA1S-Related Malignant Hyperthermia Susceptibility. Identifiers: Orphanet 423, MedGen C1866077, MONDO:0011163, OMIM 601887.
Hypokalemic periodic paralysis, type 1. Also called: Hypokalemic Periodic Paralysis Type 1 (AD); HypoPP. Identifiers: Orphanet 681, MedGen C3714580, MONDO:0042979, OMIM 170400.

Allele frequency attached by ClinVar (database versions not stated): gnomAD 0.00004 and 0.00008; ESP Exome Variant Server 0.00008; TOPMed 0.00010; ExAC 0.00014; gnomAD exomes 0.00014 and 0.00015; 1000 Genomes Project 30x 0.00031; 1000 Genomes Project 0.00040.
gnomAD v4.1: 224 of 1,614,252 alleles (0.014%); highest among the groups gnomAD compares: East Asian, 0.46%; no homozygotes.

Submissions (8):

Labcorp Genetics (formerly Invitae), Labcorp
Classification: Likely benign for Hypokalemic periodic paralysis, type 1; Malignant hyperthermia, susceptibility to, 5. Last evaluated: 2025-10-11. Review status: criteria provided, single submitter. Criteria: Invitae Variant Classification Sherloc (09022015). Collection method: clinical testing. Allele origin: germline.

Genome-Nilou Lab
Classification: Likely benign for Malignant hyperthermia, susceptibility to, 5. Last evaluated: 2023-04-11. Review status: criteria provided, single submitter. Criteria: ACMG Guidelines, 2015. Collection method: clinical testing. Allele origin: germline. Affected: no.

Genome-Nilou Lab
Classification: Likely benign for Thyrotoxic periodic paralysis, susceptibility to, 1. Last evaluated: 2023-04-11. Review status: criteria provided, single submitter. Criteria: ACMG Guidelines, 2015. Collection method: clinical testing. Allele origin: germline. Affected: no.

Genome-Nilou Lab
Classification: Likely benign for Congenital myopathy 18. Last evaluated: 2023-04-11. Review status: criteria provided, single submitter. Criteria: ACMG Guidelines, 2015. Collection method: clinical testing. Allele origin: germline. Affected: no.

Genome-Nilou Lab
Classification: Likely benign for Hypokalemic periodic paralysis, type 1. Last evaluated: 2023-04-11. Review status: criteria provided, single submitter. Criteria: ACMG Guidelines, 2015. Collection method: clinical testing. Allele origin: germline. Affected: no.

Color Diagnostics, LLC DBA Color Health
Classification: Likely benign for Malignant hyperthermia, susceptibility to, 5. Last evaluated: 2022-11-06. Review status: criteria provided, single submitter. Criteria: ACMG Guidelines, 2015. Collection method: clinical testing. Allele origin: germline.

Illumina Laboratory Services, Illumina
Classification: Benign for Hypokalemic periodic paralysis, type 1. Last evaluated: 2018-01-13. Review status: criteria provided, single submitter. Criteria: ICSL Variant Classification Criteria 13 December 2019. Collection method: clinical testing. Allele origin: germline.
Comment: This variant was observed in the ICSL laboratory as part of a predisposition screen in an ostensibly healthy population. It had not been previously curated by ICSL or reported in the Human Gene Mutation Database (HGMD: prior to June 1st, 2018), and was therefore a candidate for classification through an automated scoring system. Utilizing variant allele frequency, disease prevalence and penetrance estimates, and inheritance mode, an automated score was calculated to assess if this variant is too frequent to cause the disease. Based on the score and internal cut-off values, a variant classified as benign is not then subjected to further curation. The score for this variant resulted in a classification of benign for this disease.

PreventionGenetics, part of Exact Sciences
Classification: Likely benign for CACNA1S-related condition. Last evaluated: 2021-02-08. Review status: no assertion criteria provided. Collection method: clinical testing. Allele origin: germline. Not counted in ClinVar's aggregate classification.
Comment: This variant is classified as likely benign based on ACMG/AMP sequence variant interpretation guidelines (Richards et al. 2015 PMID: 25741868, with internal and published modifications).

NM_000069.3(CACNA1S):c.297T>A (p.Ile99=)

Gene: CACNA1S (calcium voltage-gated channel subunit alpha1 S; minus strand). Cytogenetic location: 1q32.1.
Variant type: single nucleotide variant.
Coding change: c.297T>A on transcript NM_000069.3 (MANE Select); coding-DNA position 297, T replaced by A.
Protein change: p.Ile99=; no amino-acid change (isoleucine 99 retained).
Molecular consequence: synonymous variant.
Genome position (GRCh38, 1-based): chr1:201,093,983, A>T on the plus strand (T>A on the coding strand, the complement: CACNA1S is on the minus strand). VCF-style: chr1-201093983-A-T. GRCh37 (hg19) VCF-style: chr1-201063111-A-T.
Identifiers: ClinVar variation 698859 (VCV000698859.23), dbSNP rs202132932, ClinGen allele CA079466.